The following is an entry in ClinVar:

NM_001776.6(ENTPD1):c.1441A>C (p.Met481Leu)

Genes: ENTPD1 (ectonucleoside triphosphate diphosphohydrolase 1; plus strand), ENTPD1-AS1 (ENTPD1 antisense RNA 1; minus strand). Cytogenetic location: 10q24.1.
Variant type: single nucleotide variant.
Coding change: c.1441A>C on transcript NM_001776.6 (MANE Select); coding-DNA position 1441, A replaced by C.
Protein change: p.Met481Leu; replaces methionine 481 with leucine.
Molecular consequence: missense variant. On other transcripts: intron variant (1).
Genome position (GRCh38, 1-based): chr10:95,866,291, A>C. VCF-style: chr10-95866291-A-C. GRCh37 (hg19) VCF-style: chr10-97626048-A-C.
Other names: c.1462A>C, p.Met488Leu (NM_001098175.2); c.1477A>C, p.Met493Leu (NM_001164178.1); c.1318A>C, p.Met440Leu (NM_001164179.2); c.1117A>C, p.Met373Leu (NM_001164181.1, NM_001312654.1); c.1027A>C, p.Met343Leu (NM_001164182.2, NM_001164183.2); c.1362+1430A>C (NM_001320916.1); short protein forms M488L, M343L, M373L, M440L, M481L, M493L.
Identifiers: ClinVar variation 1356669 (VCV001356669.8), dbSNP rs1373770480, ClinGen allele CA377824974.
Genomic context (GRCh38, chr10:95,866,291, plus strand): 5'-ATGATCCCAGCTGAGCAACCATTGTCCACACCTCTCTCCCACTCCACCTATGTCTTCCTC[A>C]TGGTTCTATTCTCCCTGGTCCTTTTCACAGTGGCCATCATAGGCTTGCTTATCTTTCACA-3'
Protein context (NP_001767.3, residues 471-491): PLSHSTYVFL[Met481Leu]VLFSLVLFTV

ClinVar aggregate classification (germline): Uncertain significance (1 of 4 stars; one submission).

Conditions:
Hereditary spastic paraplegia 64. Also called: Spastic paraplegia 64, autosomal recessive; ENTPD1-Related Neurodevelopmental Disorder. Identifiers: Orphanet 401810, MedGen C3810289, MONDO:0014303, OMIM 615683.

Allele frequency attached by ClinVar (database versions not stated): TOPMed below 0.00001.
gnomAD v4.1: 2 of 1,614,050 alleles (0.00012%); highest among the groups gnomAD compares: African/African-American, 0.0027%; 1 homozygote.

Submission:

Labcorp Genetics (formerly Invitae), Labcorp
Classification: Uncertain significance for Hereditary spastic paraplegia 64. Last evaluated: 2022-07-05. Review status: criteria provided, single submitter. Criteria: Invitae Variant Classification Sherloc (09022015). Collection method: clinical testing. Allele origin: germline.
Comment: In summary, the available evidence is currently insufficient to determine the role of this variant in disease. Therefore, it has been classified as a Variant of Uncertain Significance. Algorithms developed to predict the effect of missense changes on protein structure and function (SIFT, PolyPhen-2, Align-GVGD) all suggest that this variant is likely to be tolerated. ClinVar contains an entry for this variant (Variation ID: 1356669). This variant has not been reported in the literature in individuals affected with ENTPD1-related conditions. This variant is not present in population databases (gnomAD no frequency). This sequence change replaces methionine, which is neutral and non-polar, with leucine, which is neutral and non-polar, at codon 481 of the ENTPD1 protein (p.Met481Leu).